The following is an entry in ClinVar:

NM_004519.4(KCNQ3):c.*5004G>A

Gene: KCNQ3 (potassium voltage-gated channel subfamily Q member 3; minus strand). Cytogenetic location: 8q24.22.
Variant type: single nucleotide variant.
Coding change: c.*5004G>A on transcript NM_004519.4 (MANE Select); 5004 bases downstream of the stop codon, G replaced by A.
Molecular consequence: 3 prime UTR variant.
Genome position (GRCh38, 1-based): chr8:132,124,258, C>T on the plus strand (G>A on the coding strand, the complement: KCNQ3 is on the minus strand). VCF-style: chr8-132124258-C-T. GRCh37 (hg19) VCF-style: chr8-133136505-C-T.
Other names: c.*5004G>A (NM_001204824.2).
Identifiers: ClinVar variation 910368 (VCV000910368.4), dbSNP rs558732846, ClinGen allele CA185429572.

ClinVar aggregate classification (germline): Benign (1 of 4 stars; one submission).

Conditions:
Seizures, benign familial neonatal, 2. Also called: Benign Neonatal Epilepsy 2; CONVULSIONS, BENIGN FAMILIAL NEONATAL, 2; KCNQ3-Related Benign Familial Neonatal Epilepsy; KCNQ3-Related Self-Limited Familial Neonatal Epilepsy (SLFNE); Seizures, benign neonatal, 2. Identifiers: Orphanet 1949, MedGen C1852581, MONDO:0007366, OMIM 121201.

Allele frequency attached by ClinVar (database versions not stated): gnomAD 0.00023 and 0.00015; 1000 Genomes Project 30x 0.00062; TOPMed 0.00023; 1000 Genomes Project 0.00060.
gnomAD v4.1: 35 of 150,880 alleles (0.023%); highest among the groups gnomAD compares: East Asian, 0.42%; 1 homozygote.

Submission:

Illumina Laboratory Services, Illumina
Classification: Benign for Seizures, benign familial neonatal, 2. Last evaluated: 2018-02-02. Review status: criteria provided, single submitter. Criteria: ICSL Variant Classification Criteria 13 December 2019. Collection method: clinical testing. Allele origin: germline.
Comment: This variant was observed in the ICSL laboratory as part of a predisposition screen in an ostensibly healthy population. It had not been previously curated by ICSL or reported in the Human Gene Mutation Database (HGMD: prior to June 1st, 2018), and was therefore a candidate for classification through an automated scoring system. Utilizing variant allele frequency, disease prevalence and penetrance estimates, and inheritance mode, an automated score was calculated to assess if this variant is too frequent to cause the disease. Based on the score and internal cut-off values, a variant classified as benign is not then subjected to further curation. The score for this variant resulted in a classification of benign for this disease.